The following is an entry in ClinVar:

ClinVar aggregate classification (germline): Uncertain significance (1 of 4 stars; one submission).

Submission:

Institute for Human Genetics, University Hospital Essen
Classification: Uncertain significance. Last evaluated: 2025-11-27. Review status: criteria provided, single submitter. Criteria: Submitter's publication. Collection method: clinical testing. Allele origin: inherited. Inheritance: Autosomal unknown. Affected: yes. Observed: 1 variant allele, 1 compound heterozygote.
Comment: PM1, PM2_supp, PM3 (criteria rationale detailed in Leitão et al. Nature Genetics 2026)

NR_199791.1(RNU2-2):n.44T>C

Genes: RNU2-2 (RNA, U2 small nuclear 2; minus strand), WDR74 (WD repeat domain 74; minus strand). Cytogenetic location: 11q12.3.
Variant type: single nucleotide variant.
Molecular consequence: non-coding transcript variant (on NR_199791.1). On other transcripts: 5 prime UTR variant (1).
Genome position: GRCh38 VCF-style: chr11-62841766-A-G. GRCh37 (hg19) VCF-style: chr11-62609238-A-G.
Other names: c.-495T>C (NM_001369451.1).
Identifiers: ClinVar variation 4540478 (VCV004540478.1).